The following is an entry in ClinVar:

ClinVar aggregate classification (germline): Uncertain significance (1 of 4 stars; one submission).

gnomAD v4.1: 2 of 1,613,982 alleles (0.00012%); highest among the groups gnomAD compares: Admixed American, 0.0033%; no homozygotes.

Submission:

CeGaT Center for Human Genetics Tuebingen
Classification: Uncertain significance. Last evaluated: 2025-02-01. Review status: criteria provided, single submitter. Criteria: CeGaT Center For Human Genetics Tuebingen Variant Classification Criteria Version 2. Collection method: clinical testing. Allele origin: germline. Affected: yes. Observed: 1 variant allele.
Comment: CNOT3: PM2, BP4

NM_014516.4(CNOT3):c.1606-6C>T

Gene: CNOT3 (CCR4-NOT transcription complex subunit 3; plus strand). Cytogenetic location: 19q13.42.
Variant type: single nucleotide variant.
Coding change: c.1606-6C>T on transcript NM_014516.4 (MANE Select); 6 bases into the intron before coding-DNA position 1606, C replaced by T.
Molecular consequence: intron variant.
Genome position (GRCh38, 1-based): chr19:54,152,220, C>T. VCF-style: chr19-54152220-C-T. GRCh37 (hg19) VCF-style: chr19-54655957-C-T.
Identifiers: ClinVar variation 3772437 (VCV003772437.13).